The following is an entry in ClinVar:

NM_001365276.2(TNXB):c.2777C>T (p.Thr926Ile)

Gene: TNXB (tenascin XB; minus strand). Cytogenetic location: 6p21.33.
Variant type: single nucleotide variant.
Coding change: c.2777C>T on transcript NM_001365276.2 (MANE Select); coding-DNA position 2777, C replaced by T.
Protein change: p.Thr926Ile; replaces threonine 926 with isoleucine.
Molecular consequence: missense variant.
Genome position (GRCh38, 1-based): chr6:32,088,787, G>A on the plus strand (C>T on the coding strand, the complement: TNXB is on the minus strand). VCF-style: chr6-32088787-G-A. GRCh37 (hg19) VCF-style: chr6-32056564-G-A.
Other names: c.2777C>T, p.Thr926Ile (NM_001428335.1, NM_019105.8); short protein forms T926I.
Identifiers: ClinVar variation 3227260 (VCV003227260.1), dbSNP rs2483718451, ClinGen allele CA363458688.

ClinVar aggregate classification (germline): Uncertain significance (1 of 4 stars; one submission).

Conditions:
Cardiovascular phenotype. Identifiers: MedGen CN230736.

Submission:

Ambry Genetics
Classification: Uncertain significance for Cardiovascular phenotype. Last evaluated: 2023-11-21. Review status: criteria provided, single submitter. Criteria: Ambry Variant Classification Scheme 2023. Collection method: clinical testing. Allele origin: germline.
Comment: The p.T926I variant (also known as c.2777C>T), located in coding exon 5 of the TNXB gene, results from a C to T substitution at nucleotide position 2777. The threonine at codon 926 is replaced by isoleucine, an amino acid with similar properties. This amino acid position is conserved. In addition, the in silico prediction for this alteration is inconclusive. Since supporting evidence is limited at this time, the clinical significance of this alteration remains unclear.